The following is an entry in ClinVar:

NM_001447.3(FAT2):c.3844A>T (p.Ser1282Cys)

Genes: FAT2 (FAT atypical cadherin 2; minus strand), SLC36A1 (solute carrier family 36 member 1; plus strand). Cytogenetic location: 5q33.1.
Variant type: single nucleotide variant.
Coding change: c.3844A>T on transcript NM_001447.3 (MANE Select); coding-DNA position 3844, A replaced by T.
Protein change: p.Ser1282Cys; replaces serine 1282 with cysteine.
Molecular consequence: missense variant.
Genome position (GRCh38, 1-based): chr5:151,554,463, T>A on the plus strand (A>T on the coding strand, the complement: FAT2 is on the minus strand). VCF-style: chr5-151554463-T-A. GRCh37 (hg19) VCF-style: chr5-150934024-T-A.
Other names: short protein forms S1282C.
Identifiers: ClinVar variation 2655964 (VCV002655964.24), dbSNP rs1391882863, ClinGen allele CA361848349.

ClinVar aggregate classification (germline): Uncertain significance (1 of 4 stars; one submission).

gnomAD v4.1: 2 of 1,614,228 alleles (0.00012%); highest among the groups gnomAD compares: Non-Finnish European, 0.00017%; no homozygotes.

Submission:

CeGaT Center for Human Genetics Tuebingen
Classification: Uncertain significance. Last evaluated: 2023-06-01. Review status: criteria provided, single submitter. Criteria: CeGaT Center For Human Genetics Tuebingen Variant Classification Criteria Version 2. Collection method: clinical testing. Allele origin: germline. Affected: yes. Observed: 1 variant allele.
Comment: FAT2: PM2, BP4